The following is an entry in ClinVar:

ClinVar aggregate classification (germline): Uncertain significance. Review status: criteria provided, multiple submitters, no conflicts (2 of 4 stars). 4 submissions from 4 submitters: Uncertain significance (4). Last evaluated 2025-12-29.

Conditions:
REST-related disorder. Also called: REST-related condition.
Fibromatosis, gingival, 5. Also called: FIBROMATOSIS, GINGIVAL, HEREDITARY, 5. Identifiers: MedGen C4539942, MONDO:0033493, OMIM 617626.
Wilms tumor 6 (WT6). Also called: WILMS TUMOR 6, SUSCEPTIBILITY TO. Identifiers: Orphanet 654, MedGen C3891301, MONDO:0014779, OMIM 616806.
Autosomal dominant nonsyndromic hearing loss 27. Also called: Deafness, autosomal dominant 27. Identifiers: Orphanet 90635, MedGen C3887929, MONDO:0012902, OMIM 612431.

Submissions (4):

PreventionGenetics, part of Exact Sciences
Classification: Uncertain significance for REST-related condition. Last evaluated: 2025-12-29. Review status: criteria provided, single submitter. Criteria: ACMG Guidelines, 2015. Collection method: clinical testing. Allele origin: germline.
Comment: The REST c.2259_2306del48 variant is predicted to result in an in-frame deletion (p.Met753_Pro768del). To our knowledge, this variant has not been reported in the literature. This variant is reported in 0.0027% of alleles in individuals of European (Non-Finnish) descent in gnomAD. At this time, the clinical significance of this variant is uncertain due to the absence of conclusive functional and genetic evidence.

Labcorp Genetics (formerly Invitae), Labcorp
Classification: Uncertain significance. Last evaluated: 2025-11-24. Review status: criteria provided, single submitter. Criteria: Invitae Variant Classification Sherloc (09022015). Collection method: clinical testing. Allele origin: germline.
Comment: This variant, c.2259_2306del, results in the deletion of 16 amino acid(s) of the REST protein (p.Met753_Pro768del), but otherwise preserves the integrity of the reading frame. This variant is present in population databases (rs773951022, gnomAD 0.004%). This variant has not been reported in the literature in individuals affected with REST-related conditions. ClinVar contains an entry for this variant (Variation ID: 952508). Experimental studies and prediction algorithms are not available or were not evaluated, and the functional significance of this variant is currently unknown. In summary, the available evidence is currently insufficient to determine the role of this variant in disease. Therefore, it has been classified as a Variant of Uncertain Significance.

GeneDx
Classification: Uncertain significance. Last evaluated: 2024-12-19. Review status: criteria provided, single submitter. Criteria: GeneDx Variant Classification Process June 2021. Collection method: clinical testing. Allele origin: germline.
Comment: Has not been previously published as pathogenic or benign to our knowledge; In-frame deletion of 16 amino acid(s) in a non-repeat region; In silico analysis supports a deleterious effect on protein structure/function

Fulgent Genetics
Classification: Uncertain significance for Autosomal dominant nonsyndromic hearing loss 27; Wilms tumor 6; Fibromatosis, gingival, 5. Last evaluated: 2024-05-06. Review status: criteria provided, single submitter. Criteria: ACMG Guidelines, 2015. Collection method: clinical testing. Allele origin: germline.

NM_005612.5(REST):c.2259_2306del (p.Met753_Pro768del)

Gene: REST (RE1 silencing transcription factor; plus strand). Cytogenetic location: 4q12.
Variant type: Deletion.
Coding change: c.2259_2306del on transcript NM_005612.5 (MANE Select); coding-DNA positions 2259 to 2306, 48 bases deleted.
Protein change: p.Met753_Pro768del.
Molecular consequence: inframe deletion. On other transcripts: inframe indel (2).
Genome position (GRCh38, 1-based): chr4:56,931,117-56,931,164, 48 bases deleted; deleting any 48 consecutive bases within chr4:56,931,095-56,931,164 gives the same sequence; the c. name uses the placement nearest the transcript's 3' end. GRCh37 (hg19): chr4:57,797,283-57,797,330.
Other names: c.2259_2306del48, p.Met753_Pro768del (NM_001193508.2, NM_001363453.3); c.2259_2306del48 (NM_005612.4).
Identifiers: ClinVar variation 952508 (VCV000952508.13), dbSNP rs369803397, ClinGen allele CA2932437.